The following is an entry in ClinVar:

ClinVar aggregate classification (germline): Pathogenic. Review status: criteria provided, multiple submitters, no conflicts (2 of 4 stars). 4 submissions from 4 submitters: Pathogenic (4). Last evaluated 2025-06-04.

Conditions:
Cardiovascular phenotype. Identifiers: MedGen CN230736.
Hereditary cancer-predisposing syndrome. Also called: Hereditary neoplastic syndrome; Hereditary Cancer Syndrome; Tumor predisposition; Neoplastic Syndromes, Hereditary. Identifiers: Orphanet 140162, MedGen C0027672, MeSH D009386, MONDO:0015356.
Neurofibromatosis, type 1 (NF1). Also called: Neurofibromatosis, type I; Peripheral type neurofibromatosis; VON RECKLINGHAUSEN DISEASE; NEUROFIBROMATOSIS, TYPE I, SOMATIC. Identifiers: Orphanet 636, MedGen C0027831, MONDO:0018975, OMIM 162200. Disease mechanism: loss of function.

Submissions (4):

GeneDx
Classification: Pathogenic. Last evaluated: 2025-06-04. Review status: criteria provided, single submitter. Criteria: GeneDx Variant Classification Process June 2021. Collection method: clinical testing. Allele origin: germline. Affected: yes.
Comment: Nonsense variant predicted to result in protein truncation or nonsense mediated decay in a gene for which loss of function is a known mechanism of disease; Not observed at significant frequency in large population cohorts (gnomAD); This variant is associated with the following publications: (PMID: 25525159, 29673180, 35245602, 21618341, 31776437)

Labcorp Genetics (formerly Invitae), Labcorp
Classification: Pathogenic for Neurofibromatosis, type 1. Last evaluated: 2025-05-25. Review status: criteria provided, single submitter. Criteria: Invitae Variant Classification Sherloc (09022015). Collection method: clinical testing. Allele origin: germline.
Comment: This sequence change creates a premature translational stop signal (p.Gln1370*) in the NF1 gene. It is expected to result in an absent or disrupted protein product. Loss-of-function variants in NF1 are known to be pathogenic (PMID: 10712197, 23913538). This variant is not present in population databases (gnomAD no frequency). This premature translational stop signal has been observed in individual(s) with clinical features of neurofibromatosis type 1 (PMID: 21618341, 29673180). ClinVar contains an entry for this variant (Variation ID: 967072). For these reasons, this variant has been classified as Pathogenic.

3billion
Classification: Pathogenic for Neurofibromatosis, type 1. Last evaluated: 2024-11-20. Review status: criteria provided, single submitter. Criteria: ACMG Guidelines, 2015. Collection method: clinical testing. Allele origin: germline. Affected: yes.
Comment: The variant is not observed in the gnomAD v4.1.0 dataset. Predicted Consequence/Location: Stop-gained (nonsense): predicted to result in a loss or disruption of normal protein function through nonsense-mediated decay (NMD) or protein truncation. Multiple pathogenic variants are reported downstream of the variant. The variant has been reported at least twice as pathogenic without evidence for the classification (ClinVar ID: VCV000967072 /PMID: 21618341). Therefore, this variant is classified as Pathogenic according to the recommendation of ACMG/AMP guideline.

Ambry Genetics
Classification: Pathogenic for Cardiovascular phenotype; Hereditary cancer-predisposing syndrome. Last evaluated: 2021-11-23. Review status: criteria provided, single submitter. Criteria: Ambry Variant Classification Scheme 2023. Collection method: clinical testing. Allele origin: germline.
Comment: The p.Q1370* pathogenic mutation (also known as c.4108C>T), located in coding exon 30 of the NF1 gene, results from a C to T substitution at nucleotide position 4108. This changes the amino acid from a glutamine to a stop codon within coding exon 30. This alteration has been reported as a mosaic finding within individuals with a neurofibromatosis type 1 clinical diagnosis (Vogt J et al. Hum Mutat, 2011 Jun;32:E2134-47; Kang E et al. J Hum Genet, 2020 Jan;65:79-89). This variant is considered to be rare based on population cohorts in the Genome Aggregation Database (gnomAD). In addition to the clinical data presented in the literature, this alteration is expected to result in loss of function by premature protein truncation or nonsense-mediated mRNA decay. As such, this alteration is interpreted as a disease-causing mutation.

Literature cited by the submitters: PubMed 10712197 (cited by Labcorp Genetics (formerly Invitae), Labcorp); PubMed 23913538 (cited by Labcorp Genetics (formerly Invitae), Labcorp); PubMed 21618341 (cited by Labcorp Genetics (formerly Invitae), Labcorp and 3billion); PubMed 29673180 (cited by Labcorp Genetics (formerly Invitae), Labcorp).

NM_001042492.3(NF1):c.4108C>T (p.Gln1370Ter)

Gene: NF1 (neurofibromin 1; plus strand). Cytogenetic location: 17q11.2.
Variant type: single nucleotide variant.
Coding change: c.4108C>T on transcript NM_001042492.3 (MANE Select); coding-DNA position 4108, C replaced by T.
Protein change: p.Gln1370Ter; replaces glutamine 1370 with a stop codon.
Molecular consequence: nonsense.
Genome position (GRCh38, 1-based): chr17:31,249,117, C>T. VCF-style: chr17-31249117-C-T. GRCh37 (hg19) VCF-style: chr17-29576135-C-T.
Other names: c.4108C>T, p.Gln1370Ter (NM_000267.4); short protein forms Q1370*.
Identifiers: ClinVar variation 967072 (VCV000967072.9), dbSNP rs868573462, ClinGen allele CA289346840.